The following is an entry in ClinVar:

ClinVar aggregate classification (germline): Uncertain significance (1 of 4 stars; one submission).

Conditions:
Holoprosencephaly 7 (HPE7). Identifiers: Orphanet 2162, MedGen C1835820, MONDO:0012562, OMIM 610828.

Submission:

Genetics Department, University Hospital of Toulouse
Classification: Uncertain significance for Holoprosencephaly 7. Last evaluated: 2020-05-15. Review status: criteria provided, single submitter. Criteria: ACMG Guidelines, 2015. Collection method: clinical testing. Allele origin: germline. Affected: yes. Observed: 1 variant allele.
Comment: This missense variant in PTCH1 gene c.2500T>G, p.(Leu834Val) was never reported in the literature and is absent from GnomAD. It was predicted to be damaging by in silico analyses (SIFT, PolyPhen-2, MutationTaster).

NM_000264.5(PTCH1):c.2500T>G (p.Leu834Val)

Genes: PTCH1 (patched 1; minus strand), LOC100507346 (uncharacterized LOC100507346; plus strand). Cytogenetic location: 9q22.32.
Variant type: single nucleotide variant.
Coding change: c.2500T>G on transcript NM_000264.5 (MANE Select); coding-DNA position 2500, T replaced by G.
Protein change: p.Leu834Val; replaces leucine 834 with valine.
Molecular consequence: missense variant. On other transcripts: non-coding transcript variant (2).
Genome position (GRCh38, 1-based): chr9:95,467,176, A>C on the plus strand (T>G on the coding strand, the complement: PTCH1 is on the minus strand). VCF-style: chr9-95467176-A-C. GRCh37 (hg19) VCF-style: chr9-98229458-A-C.
Other names: c.2302T>G, p.Leu768Val (NM_001083602.3); c.2497T>G, p.Leu833Val (NM_001083603.3); c.2047T>G, p.Leu683Val (NM_001083604.3, NM_001083605.3, NM_001083606.3 and 1 more transcripts); c.2344T>G, p.Leu782Val (NM_001354918.2); short protein forms L683V, L768V, L782V, L833V, L834V.
Identifiers: ClinVar variation 929567 (VCV000929567.2), dbSNP rs1840080865, ClinGen allele CA374113910.